The following is an entry in ClinVar:

NM_014738.6(TMEM94):c.857C>T (p.Pro286Leu)

Gene: TMEM94 (transmembrane protein 94; plus strand). Cytogenetic location: 17q25.1.
Variant type: single nucleotide variant.
Coding change: c.857C>T on transcript NM_014738.6 (MANE Select); coding-DNA position 857, C replaced by T.
Protein change: p.Pro286Leu; replaces proline 286 with leucine.
Molecular consequence: missense variant.
Genome position (GRCh38, 1-based): chr17:75,489,358, C>T. VCF-style: chr17-75489358-C-T. GRCh37 (hg19) VCF-style: chr17-73485439-C-T.
Other names: c.887C>T, p.Pro296Leu (NM_001438843.1, NM_001438846.1, NM_001321148.2 and 1 more transcripts); c.857C>T, p.Pro286Leu (NM_001438844.1, NM_001438845.1, NM_001438847.1 and 5 more transcripts); short protein forms P286L, P296L.
Identifiers: ClinVar variation 4840215 (VCV004840215.1).

ClinVar aggregate classification (germline): Uncertain significance (1 of 4 stars; one submission).

Conditions:
Inborn genetic diseases. Identifiers: MedGen C0950123, MeSH D030342.

gnomAD v4.1: 1 of 1,614,144 alleles (0.000062%); highest among the groups gnomAD compares: Admixed American, 0.0017%; no homozygotes.

Submission:

Ambry Genetics
Classification: Uncertain significance for Inborn genetic diseases. Last evaluated: 2026-02-23. Review status: criteria provided, single submitter. Criteria: Ambry Variant Classification Scheme 2023. Collection method: clinical testing. Allele origin: germline.
Comment: The c.857C>T (p.P286L) alteration is located in exon 8 (coding exon 7) of the TMEM94 gene. This alteration results from a C to T substitution at nucleotide position 857, causing the proline (P) at amino acid position 286 to be replaced by a leucine (L). Based on data from gnomAD, the T allele has an overall frequency of <0.001% (1/251192) total alleles studied. The highest observed frequency was 0.003% (1/34584) of Latino alleles. Based on insufficient or conflicting evidence, the clinical significance of this alteration remains unclear.